The following is an entry in ClinVar:

ClinVar aggregate classification (germline): Uncertain significance (1 of 4 stars; one submission).

Submission:

Labcorp Genetics (formerly Invitae), Labcorp
Classification: Uncertain significance. Last evaluated: 2023-03-04. Review status: criteria provided, single submitter. Criteria: Invitae Variant Classification Sherloc (09022015). Collection method: clinical testing. Allele origin: germline.
Comment: In summary, the available evidence is currently insufficient to determine the role of this variant in disease. Therefore, it has been classified as a Variant of Uncertain Significance. Experimental studies and prediction algorithms are not available or were not evaluated, and the functional significance of this variant is currently unknown. This variant has not been reported in the literature in individuals affected with SOX11-related conditions. This variant is not present in population databases (gnomAD no frequency). This sequence change creates a premature translational stop signal (p.Ser332*) in the SOX11 gene. While this is not anticipated to result in nonsense mediated decay, it is expected to disrupt the last 110 amino acid(s) of the SOX11 protein.

NM_003108.4(SOX11):c.995C>A (p.Ser332Ter)

Gene: SOX11 (SRY-box transcription factor 11; plus strand). Cytogenetic location: 2p25.2.
Variant type: single nucleotide variant.
Coding change: c.995C>A on transcript NM_003108.4 (MANE Select); coding-DNA position 995, C replaced by A.
Protein change: p.Ser332Ter; replaces serine 332 with a stop codon.
Molecular consequence: nonsense.
Genome position (GRCh38, 1-based): chr2:5,693,716, C>A. VCF-style: chr2-5693716-C-A. GRCh37 (hg19) VCF-style: chr2-5833848-C-A.
Other names: short protein forms S332*.
Identifiers: ClinVar variation 2842240 (VCV002842240.3), dbSNP rs1472474340, ClinGen allele CA345867895.